The following is an entry in ClinVar:

ClinVar aggregate classification (germline): Uncertain significance (1 of 4 stars; one submission).

Conditions:
Medium-chain acyl-coenzyme A dehydrogenase deficiency (ACADMD). Also called: CARNITINE DEFICIENCY SECONDARY TO MEDIUM-CHAIN ACYL-CoA DEHYDROGENASE DEFICIENCY; ACADM DEFICIENCY; MCADH DEFICIENCY; MCADD; MCAD Deficiency; Medium chain acyl-CoA dehydrogenase deficiency. Identifiers: Orphanet 42, MedGen C0220710, MONDO:0008721, OMIM 201450.

Allele frequency attached by ClinVar (database versions not stated): TOPMed 0.00001; gnomAD 0.00002.
gnomAD v4.1: 20 of 1,614,026 alleles (0.0012%); highest among the groups gnomAD compares: African/African-American, 0.0067%; no homozygotes.

Submission:

Labcorp Genetics (formerly Invitae), Labcorp
Classification: Uncertain significance for Medium-chain acyl-coenzyme A dehydrogenase deficiency. Last evaluated: 2022-05-14. Review status: criteria provided, single submitter. Criteria: Invitae Variant Classification Sherloc (09022015). Collection method: clinical testing. Allele origin: germline.
Comment: This sequence change replaces arginine, which is basic and polar, with histidine, which is basic and polar, at codon 348 of the ACADM protein (p.Arg348His). This variant is present in population databases (no rsID available, gnomAD 0.01%). This variant has not been reported in the literature in individuals affected with ACADM-related conditions. Advanced modeling of protein sequence and biophysical properties (such as structural, functional, and spatial information, amino acid conservation, physicochemical variation, residue mobility, and thermodynamic stability) performed at Invitae indicates that this missense variant is expected to disrupt ACADM protein function. In summary, the available evidence is currently insufficient to determine the role of this variant in disease. Therefore, it has been classified as a Variant of Uncertain Significance.

NM_000016.6(ACADM):c.1043G>A (p.Arg348His)

Gene: ACADM (acyl-CoA dehydrogenase medium chain; plus strand). Cytogenetic location: 1p31.1.
Variant type: single nucleotide variant.
Coding change: c.1043G>A on transcript NM_000016.6 (MANE Select); coding-DNA position 1043, G replaced by A.
Protein change: p.Arg348His; replaces arginine 348 with histidine.
Molecular consequence: missense variant.
Genome position (GRCh38, 1-based): chr1:75,761,219, G>A. VCF-style: chr1-75761219-G-A. GRCh37 (hg19) VCF-style: chr1-76226904-G-A.
Other names: c.1055G>A, p.Arg352His (NM_001127328.3); c.935G>A, p.Arg312His (NM_001286042.2); c.1142G>A, p.Arg381His (NM_001286043.2); c.476G>A, p.Arg159His (NM_001286044.2); short protein forms R159H, R352H, R348H, R312H, R381H.
Identifiers: ClinVar variation 2149459 (VCV002149459.1), dbSNP rs1178040502, ClinGen allele CA340818050.